The following is an entry in ClinVar:

NM_000211.5(ITGB2):c.555T>G (p.Asp185Glu)

Gene: ITGB2 (integrin subunit beta 2; minus strand). Cytogenetic location: 21q22.3.
Variant type: single nucleotide variant.
Coding change: c.555T>G on transcript NM_000211.5 (MANE Select); coding-DNA position 555, T replaced by G.
Protein change: p.Asp185Glu; replaces aspartic acid 185 with glutamic acid.
Molecular consequence: missense variant.
Genome position (GRCh38, 1-based): chr21:44,901,678, A>C on the plus strand (T>G on the coding strand, the complement: ITGB2 is on the minus strand). VCF-style: chr21-44901678-A-C. GRCh37 (hg19) VCF-style: chr21-46321593-A-C.
Other names: c.555T>G, p.Asp185Glu (NM_001127491.3); c.348T>G, p.Asp116Glu (NM_001303238.2); short protein forms D185E, D116E.
Identifiers: ClinVar variation 1398102 (VCV001398102.8), dbSNP rs2083961139, ClinGen allele CA410476358.

ClinVar aggregate classification (germline): Uncertain significance (1 of 4 stars; one submission).

Conditions:
Leukocyte adhesion deficiency 1 (LAD1). Also called: LEUKOCYTE ADHESION DEFICIENCY, TYPE I; LAD 1; Lymphocyte function-associated antigen 1 immunodeficiency; LFA 1 immunodeficiency. Identifiers: Orphanet 2968, Orphanet 99842, MedGen C0398738, MONDO:0007293, OMIM 116920.

Allele frequency attached by ClinVar (database versions not stated): TOPMed below 0.00001.
gnomAD v4.1: 1 of 1,614,072 alleles (0.000062%); highest among the groups gnomAD compares: Admixed American, 0.0017%; no homozygotes.

Submission:

Labcorp Genetics (formerly Invitae), Labcorp
Classification: Uncertain significance for Leukocyte adhesion deficiency 1. Last evaluated: 2022-06-13. Review status: criteria provided, single submitter. Criteria: Invitae Variant Classification Sherloc (09022015). Collection method: clinical testing. Allele origin: germline.
Comment: In summary, the available evidence is currently insufficient to determine the role of this variant in disease. Therefore, it has been classified as a Variant of Uncertain Significance. Algorithms developed to predict the effect of missense changes on protein structure and function output the following: SIFT: "Tolerated"; PolyPhen-2: "Benign"; Align-GVGD: "Class C0". The glutamic acid amino acid residue is found in multiple mammalian species, which suggests that this missense change does not adversely affect protein function. This variant has not been reported in the literature in individuals affected with ITGB2-related conditions. This variant is not present in population databases (gnomAD no frequency). This sequence change replaces aspartic acid, which is acidic and polar, with glutamic acid, which is acidic and polar, at codon 185 of the ITGB2 protein (p.Asp185Glu).